The following is an entry in ClinVar:

NC_000008.11:g.(?_43140487)_(43199579_?)dup

Gene: HGSNAT (heparan-alpha-glucosaminide N-acetyltransferase; plus strand). Cytogenetic location: 8p11.21.
Variant type: Duplication.
Identifiers: ClinVar variation 830435 (VCV000830435.3).

ClinVar aggregate classification (germline): Uncertain significance (1 of 4 stars; one submission).

Conditions:
Retinitis pigmentosa 73 (RP73). Identifiers: Orphanet 791, MedGen C4225287, MONDO:0014687, OMIM 616544.
Mucopolysaccharidosis, MPS-III-C (MPS3C). Also called: SANFILIPPO SYNDROME C; mucopolysaccharidosis type 3C; Mucopolysaccharidosis type IIIC (Sanfilippo C); MPS IIIC (Sanfilippo Syndrome Type C); MUCOPOLYSACCHARIDOSIS, TYPE IIIC; MPS III C. Identifiers: Orphanet 581, Orphanet 79271, MedGen C0086649, MONDO:0009657, OMIM 252930.

Submission:

Labcorp Genetics (formerly Invitae), Labcorp
Classification: Uncertain significance for Retinitis pigmentosa 73; Mucopolysaccharidosis, MPS-III-C. Last evaluated: 2020-01-02. Review status: criteria provided, single submitter. Criteria: Invitae Variant Classification Sherloc (09022015). Collection method: clinical testing. Allele origin: germline.
Comment: This variant results in a copy number gain of the genomic region encompassing the full coding sequence of the HGSNAT gene. The boundaries of this event are unknown as they extend beyond the assayed region for this gene and therefore may encompass additional genes. As the precise location of this event is unknown, it may be in tandem or it may be located elsewhere in the genome. This variant has not been reported in the literature in individuals with HGSNAT-related conditions. In summary, the available evidence is currently insufficient to determine the role of this variant in disease. Therefore, it has been classified as a Variant of Uncertain Significance.